The following is an entry in ClinVar:

ClinVar aggregate classification (germline): Conflicting classifications of pathogenicity. Review status: criteria provided, conflicting classifications (1 of 4 stars). 6 submissions from 6 submitters: Uncertain significance (5); Likely benign (1). Last evaluated 2025-11-20.

Conditions:
Hypercholesterolemia, autosomal dominant, type B (FHCL2). Also called: APOB-Related Familial Hypercholesterolemia, Autosomal Dominant; Hyperlipoproteinemia Type IIb; Familial Hypercholesterolemia Type B; APOLIPOPROTEIN B-100, FAMILIAL DEFECTIVE; APOLIPOPROTEIN B-100, FAMILIAL LIGAND-DEFECTIVE; Familial hypercholesterolemia 2. Identifiers: MedGen C1704417, MONDO:0007751, OMIM 144010.
Familial hypobetalipoproteinemia 1. Also called: APOB-Related Familial Hypobetalipoproteinemia; Hypobetalipoproteinemia, normotriglyceridemic; Acanthocytosis with hypobetalipoproteinemia. Identifiers: MedGen C4551990, MONDO:0014252, OMIM 615558.
Cardiovascular phenotype. Identifiers: MedGen CN230736.
Familial hypercholesterolemia. Also called: Familial hypercholesterolemias; Familial hypercholesterolaemia. Identifiers: MedGen C0020445, MONDO:0005439.

Allele frequency attached by ClinVar (database versions not stated): TOPMed 0.00002; gnomAD 0.00003 and 0.00004.
gnomAD v4.1: 38 of 1,614,030 alleles (0.0024%); highest among the groups gnomAD compares: African/African-American, 0.0067%; no homozygotes.

Submissions (6):

Labcorp Genetics (formerly Invitae), Labcorp
Classification: Likely benign for Familial hypobetalipoproteinemia 1; Hypercholesterolemia, autosomal dominant, type B. Last evaluated: 2025-11-20. Review status: criteria provided, single submitter. Criteria: Invitae Variant Classification Sherloc (09022015). Collection method: clinical testing. Allele origin: germline.

Cambridge Genomics Laboratory, East Genomic Laboratory Hub, NHS Genomic Medicine Service
Classification: Uncertain significance for Familial hypercholesterolaemia. Last evaluated: 2025-07-24. Review status: criteria provided, single submitter. Criteria: ACGS Best Practice Guidelines for Variant Classification in Rare Disease 2020. Collection method: clinical testing. Allele origin: germline. Affected: yes.
Comment: PM2_Supporting

Mayo Clinic Laboratories, Mayo Clinic
Classification: Uncertain significance. Last evaluated: 2025-03-25. Review status: criteria provided, single submitter. Criteria: ACMG Guidelines, 2015. Collection method: clinical testing. Allele origin: germline. Observed: 1 variant allele.
Comment: PP3

Fulgent Genetics
Classification: Uncertain significance for Hypercholesterolemia, autosomal dominant, type B; Familial hypobetalipoproteinemia 1. Last evaluated: 2021-10-07. Review status: criteria provided, single submitter. Criteria: ACMG Guidelines, 2015. Collection method: clinical testing. Allele origin: unknown.

AiLife Diagnostics
Classification: Uncertain significance. Last evaluated: 2021-08-31. Review status: criteria provided, single submitter. Criteria: ACMG Guidelines, 2015. Collection method: clinical testing. Allele origin: germline. Affected: yes. Observed: 1 variant allele.

Ambry Genetics
Classification: Uncertain significance for Cardiovascular phenotype. Last evaluated: 2020-06-26. Review status: criteria provided, single submitter. Criteria: Ambry Variant Classification Scheme 2023. Collection method: clinical testing. Allele origin: germline.
Comment: The p.Y637C variant (also known as c.1910A>G), located in coding exon 14 of the APOB gene, results from an A to G substitution at nucleotide position 1910. The tyrosine at codon 637 is replaced by cysteine, an amino acid with highly dissimilar properties. This amino acid position is highly conserved in available vertebrate species. In addition, the in silico prediction for this alteration is inconclusive. Since supporting evidence is limited at this time, the clinical significance of this alteration remains unclear.

Literature cited by the submitters: PubMed 37217153 (cited by Mayo Clinic Laboratories, Mayo Clinic).

NM_000384.3(APOB):c.1910A>G (p.Tyr637Cys)

Gene: APOB (apolipoprotein B; minus strand). Cytogenetic location: 2p24.1.
Variant type: single nucleotide variant.
Coding change: c.1910A>G on transcript NM_000384.3 (MANE Select); coding-DNA position 1910, A replaced by G.
Protein change: p.Tyr637Cys; replaces tyrosine 637 with cysteine.
Molecular consequence: missense variant.
Genome position (GRCh38, 1-based): chr2:21,027,985, T>C on the plus strand (A>G on the coding strand, the complement: APOB is on the minus strand). VCF-style: chr2-21027985-T-C. GRCh37 (hg19) VCF-style: chr2-21250857-T-C.
Other names: p.Tyr637Cys; short protein forms Y637C.
Identifiers: ClinVar variation 630348 (VCV000630348.21), dbSNP rs766573431, ClinGen allele CA054881.